The following is an entry in ClinVar:

ClinVar aggregate classification (germline): Uncertain significance (1 of 4 stars; one submission).

Conditions:
Cardiovascular phenotype. Identifiers: MedGen CN230736.

Submission:

Ambry Genetics
Classification: Uncertain significance for Cardiovascular phenotype. Last evaluated: 2020-03-17. Review status: criteria provided, single submitter. Criteria: Ambry Variant Classification Scheme 2023. Collection method: clinical testing. Allele origin: germline.
Comment: The p.R19714P variant (also known as c.59141G>C), located in coding exon 153 of the TTN gene, results from a G to C substitution at nucleotide position 59141. The arginine at codon 19714 is replaced by proline, an amino acid with dissimilar properties. This amino acid position is well conserved in available vertebrate species. In addition, the in silico prediction for this alteration is inconclusive. Since supporting evidence is limited at this time, the clinical significance of this alteration remains unclear.

NM_001267550.2(TTN):c.86336G>C (p.Arg28779Pro)

Genes: TTN-AS1 (TTN antisense RNA 1; plus strand), TTN (titin; minus strand). Cytogenetic location: 2q31.2.
Variant type: single nucleotide variant.
Coding change: c.86336G>C on transcript NM_001267550.2 (MANE Select); coding-DNA position 86336, G replaced by C.
Protein change: p.Arg28779Pro; replaces arginine 28779 with proline.
Molecular consequence: missense variant.
Genome position (GRCh38, 1-based): chr2:178,559,796, C>G on the plus strand (G>C on the coding strand, the complement: TTN is on the minus strand). VCF-style: chr2-178559796-C-G. GRCh37 (hg19) VCF-style: chr2-179424523-C-G.
Other names: c.81413G>C, p.Arg27138Pro (NM_001256850.1); c.59141G>C, p.Arg19714Pro (NM_003319.4); c.78632G>C, p.Arg26211Pro (NM_133378.4); c.59516G>C, p.Arg19839Pro (NM_133432.3); c.59717G>C, p.Arg19906Pro (NM_133437.4); short protein forms R27138P, R28779P, R19714P, R19906P, R19839P, R26211P.
Identifiers: ClinVar variation 1750462 (VCV001750462.2), dbSNP rs763175453, ClinGen allele CA349544587.
Genomic context (GRCh38, chr2:178,559,796, plus strand): 5'-GCTCTAGTACGGAGGTCAGTGTCTGGCTTACTCCACAAGACATTGGGTACTGGTCTTCCT[C>G]GGAAAGGCACAGTCATGGTAAATGAGGCACCAGCCTTGACAATCAAGGTCTTCCTCATTT-3'
Protein context (NP_001254479.2, residues 28769-28789): GASFTMTVPF[Arg28779Pro]GRPVPNVLWS